The following is an entry in ClinVar:

NM_003235.5(TG):c.7021G>A (p.Gly2341Ser)

Gene: TG (thyroglobulin; plus strand). Cytogenetic location: 8q24.22.
Variant type: single nucleotide variant.
Coding change: c.7021G>A on transcript NM_003235.5 (MANE Select); coding-DNA position 7021, G replaced by A.
Protein change: p.Gly2341Ser; replaces glycine 2341 with serine.
Molecular consequence: missense variant.
Genome position (GRCh38, 1-based): chr8:133,022,135, G>A. VCF-style: chr8-133022135-G-A. GRCh37 (hg19) VCF-style: chr8-134034380-G-A.
Other names: short protein forms G2341S.
Identifiers: ClinVar variation 545609 (VCV000545609.4), dbSNP rs898275076, ClinGen allele CA186294724.

ClinVar aggregate classification (germline): Likely pathogenic. Review status: criteria provided, single submitter (1 of 4 stars). 2 submissions from 2 submitters: Likely pathogenic (1). 1 of the submissions does not count toward it. Last evaluated 2023-07-27.

Conditions:
Iodotyrosyl coupling defect (TDH3). Also called: HYPOTHYROIDISM, CONGENITAL, DUE TO DYSHORMONOGENESIS, 3; THYROID HORMONOGENESIS, GENETIC DEFECT IN, 3. Identifiers: Orphanet 95716, MedGen C0342194, MONDO:0010135, OMIM 274700.
TG-related disorder. Also called: TG-related disorders; TG-related condition.

Allele frequency attached by ClinVar (database versions not stated): gnomAD exomes below 0.00001; gnomAD 0.00001; TOPMed 0.00002.
gnomAD v4.1: 9 of 1,613,908 alleles (0.00056%); highest among the groups gnomAD compares: African/African-American, 0.0013%; no homozygotes.

Submissions (2):

Women's Health and Genetics/Laboratory Corporation of America, LabCorp
Classification: Likely pathogenic for TG-Related Disorders. Last evaluated: 2023-07-27. Review status: criteria provided, single submitter. Criteria: LabCorp Variant Classification Summary - May 2015. Collection method: clinical testing. Allele origin: germline.
Comment: Variant summary: TG c.7021G>A (p.Gly2341Ser) results in a non-conservative amino acid change located in the Type B Carboxylesterase domain (IPR002018) of the encoded protein sequence. Five of five in-silico tools predict a damaging effect of the variant on protein function. The variant was absent in 251476 control chromosomes. c.7021G>A has been reported in the literature at a homozygous state in two siblings affected with Congenital hypothyroidism and the variant segregated with disease in that family (example: Watanabe_2018, Bruellman_2020). These data indicate that the variant is likely to be associated with TG-Related Disorders. To our knowledge, no experimental evidence demonstrating an impact on protein function has been reported. The following publications have been ascertained in the context of this evaluation (PMID: 31867598, 29720101). One submitter has cited clinical-significance assessments for this variant to ClinVar after 2014 and has classified the variant as pathogenic. Based on the evidence outlined above, the variant was classified as likely pathogenic.

Weiss Lab, University of Miami
Classification: Pathogenic for Iodotyrosyl coupling defect. Last evaluated: 2016-09-19. Review status: no assertion criteria provided. Collection method: clinical testing. Allele origin: germline. Affected: yes. Not counted in ClinVar's aggregate classification.

Literature cited by the submitters: PubMed 31867598 (cited by Women's Health and Genetics/Laboratory Corporation of America, LabCorp); PubMed 29720101 (cited by Women's Health and Genetics/Laboratory Corporation of America, LabCorp).